The following is an entry in ClinVar:

ClinVar aggregate classification (germline): Likely benign (1 of 4 stars; one submission).

Conditions:
Hypertrophic cardiomyopathy. Also called: HYPERTROPHIC MYOCARDIOPATHY. Identifiers: Orphanet 217569, MedGen C0007194, MeSH D002312, MONDO:0005045, HP:0001639.

Submission:

All of Us Research Program, National Institutes of Health
Classification: Likely benign for Hypertrophic cardiomyopathy. Last evaluated: 2023-12-18. Review status: criteria provided, single submitter. Criteria: ACMG Guidelines, 2015. Collection method: clinical testing. Allele origin: germline. Inheritance: Autosomal dominant inheritance. Observed: 2 variant alleles, 2 heterozygotes.
Comment: This study involves interpretation of variants in research participants for the purpose of population health screening. Participant phenotype was not available at the time of variant classification. Additional details can be found in publication PMID: 35346344, PMCID: PMC8962531

NM_016203.4(PRKAG2):c.1585-15C>T

Gene: PRKAG2 (protein kinase AMP-activated non-catalytic subunit gamma 2; minus strand). Cytogenetic location: 7q36.1.
Variant type: single nucleotide variant.
Coding change: c.1585-15C>T on transcript NM_016203.4 (MANE Select); 15 bases into the intron before coding-DNA position 1585, C replaced by T.
Molecular consequence: intron variant.
Genome position (GRCh38, 1-based): chr7:151,560,632, G>A on the plus strand (C>T on the coding strand, the complement: PRKAG2 is on the minus strand). VCF-style: chr7-151560632-G-A. GRCh37 (hg19) VCF-style: chr7-151257718-G-A.
Other names: c.1294-15C>T (NM_001407031.1); c.1297-15C>T (NM_001407030.1); c.1582-15C>T (NM_001407023.1, NM_001407022.1); c.1585-15C>T (NM_001407021.1); c.1267-15C>T (NM_001407032.1); c.1450-15C>T (NM_001407026.1, NM_001407027.1); c.1453-15C>T (NM_001040633.2, NM_001407024.1); c.1261-15C>T (NM_001407033.1); and 6 more.
Identifiers: ClinVar variation 3072185 (VCV003072185.1), dbSNP rs2536233957, ClinGen allele CA2825001559.
Genomic context (GRCh38, chr7:151,560,632, plus strand): 5'-TACCCACAATACTATCTGCTTCATTTACCACCACCAGCCGATGGACCTGCAAAGAGAAAA[G>A]CAGGACACGTGAAAATTAACATTTAAAAAAGGTTTAAAATGGACATGAGAAATAATGTCC-3'